The following is an entry in ClinVar:

NM_016292.3(TRAP1):c.1847G>T (p.Gly616Val)

Genes: DNASE1 (deoxyribonuclease 1; plus strand), TRAP1 (TNF receptor associated protein 1; minus strand). Cytogenetic location: 16p13.3.
Variant type: single nucleotide variant.
Coding change: c.1847G>T on transcript NM_016292.3 (MANE Select); coding-DNA position 1847, G replaced by T.
Protein change: p.Gly616Val; replaces glycine 616 with valine.
Molecular consequence: missense variant. On other transcripts: intron variant (1).
Genome position (GRCh38, 1-based): chr16:3,662,080, C>A on the plus strand (G>T on the coding strand, the complement: TRAP1 is on the minus strand). VCF-style: chr16-3662080-C-A. GRCh37 (hg19) VCF-style: chr16-3712081-C-A.
Other names: c.1688G>T, p.Gly563Val (NM_001272049.2); c.*22-566C>A (NM_001387140.1); short protein forms G616V, G563V.
Identifiers: ClinVar variation 2084344 (VCV002084344.3), dbSNP rs375212471, ClinGen allele CA7867789.

ClinVar aggregate classification (germline): Uncertain significance (1 of 4 stars; one submission).

Allele frequency attached by ClinVar (database versions not stated): ESP Exome Variant Server 0.00008; gnomAD 0.00003; TOPMed 0.00003.
gnomAD v4.1: 35 of 1,613,170 alleles (0.0022%); highest among the groups gnomAD compares: Non-Finnish European, 0.0029%; no homozygotes.

Submission:

Labcorp Genetics (formerly Invitae), Labcorp
Classification: Uncertain significance. Last evaluated: 2025-09-02. Review status: criteria provided, single submitter. Criteria: Invitae Variant Classification Sherloc (09022015). Collection method: clinical testing. Allele origin: germline.
Comment: This sequence change replaces glycine, which is neutral and non-polar, with valine, which is neutral and non-polar, at codon 616 of the TRAP1 protein (p.Gly616Val). This variant is present in population databases (rs375212471, gnomAD 0.004%). This variant has not been reported in the literature in individuals affected with TRAP1-related conditions. ClinVar contains an entry for this variant (Variation ID: 2084344). Invitae Evidence Modeling of protein sequence and biophysical properties (such as structural, functional, and spatial information, amino acid conservation, physicochemical variation, residue mobility, and thermodynamic stability) indicates that this missense variant is not expected to disrupt TRAP1 protein function with a negative predictive value of 80%. In summary, the available evidence is currently insufficient to determine the role of this variant in disease. Therefore, it has been classified as a Variant of Uncertain Significance.